The following is an entry in ClinVar:

NM_002332.3(LRP1):c.8952C>T (p.Asp2984=)

Gene: LRP1 (LDL receptor related protein 1; plus strand). Cytogenetic location: 12q13.3.
Variant type: single nucleotide variant.
Coding change: c.8952C>T on transcript NM_002332.3 (MANE Select); coding-DNA position 8952, C replaced by T.
Protein change: p.Asp2984=; no amino-acid change (aspartic acid 2984 retained).
Molecular consequence: synonymous variant.
Genome position (GRCh38, 1-based): chr12:57,197,041, C>T. VCF-style: chr12-57197041-C-T. GRCh37 (hg19) VCF-style: chr12-57590824-C-T.
Identifiers: ClinVar variation 2643123 (VCV002643123.24), dbSNP rs144936776, ClinGen allele CA6644555.
Genomic context (GRCh38, chr12:57,197,041, plus strand): 5'-GTGCCGCTGTCGCCCTGGCTTCCGGCTGAAGGACGACGGCCGGACGTGTGCTGATGTGGA[C>T]GAGTGCAGCACCACCTTCCCCTGCAGCCAGCGCTGCATCAACACTCATGGCAGCTATAAG-3'
Protein context (NP_002323.2, residues 2974-2994): KDDGRTCADV[Asp2984=]ECSTTFPCSQ

ClinVar aggregate classification (germline): Likely benign (1 of 4 stars; one submission).

Allele frequency attached by ClinVar (database versions not stated): gnomAD exomes 0.00005; ExAC 0.00016; ESP Exome Variant Server 0.00023; gnomAD 0.00044; TOPMed 0.00056; 1000 Genomes Project 30x 0.00078; 1000 Genomes Project 0.00080.
gnomAD v4.1: 144 of 1,614,018 alleles (0.0089%); highest among the groups gnomAD compares: African/African-American, 0.18%; no homozygotes.

Submission:

CeGaT Center for Human Genetics Tuebingen
Classification: Likely benign. Last evaluated: 2022-12-01. Review status: criteria provided, single submitter. Criteria: CeGaT Center For Human Genetics Tuebingen Variant Classification Criteria Version 2. Collection method: clinical testing. Allele origin: germline. Affected: yes. Observed: 1 variant allele.
Comment: LRP1: BP4, BP7